The following is an entry in ClinVar:

NM_006231.4(POLE):c.4183T>C (p.Tyr1395His)

Gene: POLE (DNA polymerase epsilon, catalytic subunit; minus strand). Cytogenetic location: 12q24.33.
Variant type: single nucleotide variant.
Coding change: c.4183T>C on transcript NM_006231.4 (MANE Select); coding-DNA position 4183, T replaced by C.
Protein change: p.Tyr1395His; replaces tyrosine 1395 with histidine.
Molecular consequence: missense variant.
Genome position (GRCh38, 1-based): chr12:132,643,944, A>G on the plus strand (T>C on the coding strand, the complement: POLE is on the minus strand). VCF-style: chr12-132643944-A-G. GRCh37 (hg19) VCF-style: chr12-133220530-A-G.
Other names: short protein forms Y1395H.
Identifiers: ClinVar variation 640441 (VCV000640441.10), dbSNP rs752751096, ClinGen allele CA6892951.

ClinVar aggregate classification (germline): Conflicting classifications of pathogenicity. Review status: criteria provided, conflicting classifications (1 of 4 stars). 3 submissions from 3 submitters: Uncertain significance (2); Likely benign (1). Last evaluated 2025-02-06.

Conditions:
Hereditary cancer-predisposing syndrome. Also called: Hereditary Cancer Syndrome; Hereditary neoplastic syndrome; Tumor predisposition; Neoplastic Syndromes, Hereditary. Identifiers: Orphanet 140162, MedGen C0027672, MeSH D009386, MONDO:0015356.

Allele frequency attached by ClinVar (database versions not stated): ExAC 0.00001; gnomAD exomes below 0.00001.
gnomAD v4.1: 6 of 1,613,978 alleles (0.00037%); highest among the groups gnomAD compares: Non-Finnish European, 0.00051%; no homozygotes.

Submissions (3):

Ambry Genetics
Classification: Likely benign for Hereditary cancer-predisposing syndrome. Last evaluated: 2025-02-06. Review status: criteria provided, single submitter. Criteria: Ambry Variant Classification Scheme 2023. Collection method: clinical testing. Allele origin: germline.

Labcorp Genetics (formerly Invitae), Labcorp
Classification: Uncertain significance. Last evaluated: 2024-10-30. Review status: criteria provided, single submitter. Criteria: Invitae Variant Classification Sherloc (09022015). Collection method: clinical testing. Allele origin: germline.
Comment: This sequence change replaces tyrosine, which is neutral and polar, with histidine, which is basic and polar, at codon 1395 of the POLE protein (p.Tyr1395His). This variant is not present in population databases (gnomAD no frequency). This variant has not been reported in the literature in individuals affected with POLE-related conditions. ClinVar contains an entry for this variant (Variation ID: 640441). Invitae Evidence Modeling of protein sequence and biophysical properties (such as structural, functional, and spatial information, amino acid conservation, physicochemical variation, residue mobility, and thermodynamic stability) indicates that this missense variant is not expected to disrupt POLE protein function with a negative predictive value of 80%. In summary, the available evidence is currently insufficient to determine the role of this variant in disease. Therefore, it has been classified as a Variant of Uncertain Significance.

GeneDx
Classification: Uncertain significance. Last evaluated: 2023-01-23. Review status: criteria provided, single submitter. Criteria: GeneDx Variant Classification Process June 2021. Collection method: clinical testing. Allele origin: germline.
Comment: Not observed at significant frequency in large population cohorts (gnomAD); In silico analysis supports that this missense variant does not alter protein structure/function; Has not been previously published as pathogenic or benign to our knowledge